The following is an entry in ClinVar:

ClinVar aggregate classification (germline): Uncertain significance (1 of 4 stars; one submission).

Conditions:
Dyskeratosis congenita. Identifiers: Orphanet 1775, MedGen C0265965, MONDO:0015780.

Allele frequency attached by ClinVar (database versions not stated): gnomAD exomes below 0.00001 and 0.00002; ExAC 0.00002; TOPMed 0.00004; gnomAD 0.00005 and 0.00006; ESP Exome Variant Server 0.00016.
gnomAD v4.1: 11 of 1,611,898 alleles (0.00068%); highest among the groups gnomAD compares: African/African-American, 0.015%; no homozygotes.

Submission:

Sema4
Classification: Uncertain significance for Dyskeratosis congenita. Last evaluated: 2022-03-10. Review status: criteria provided, single submitter. Criteria: Sema4 Curation Guidelines. Collection method: curation. Allele origin: germline.
Comment: The CTC1 c.2510G>C (p.C837S) variant has not been reported in the literature to our knowledge. It was not observed in the large and broad cohorts of the Genome Aggregation Database (PMID: 32461654). This variant has not been reported in ClinVar. Functional studies have not been performed, and in silico predictions of the variant's effect on protein function are inconclusive. The evidence is insufficient to meet ACMG/AMP criteria for classifying the variant as benign or pathogenic. Thus, the clinical significance of this variant is currently uncertain.

NM_025099.6(CTC1):c.2510G>C (p.Cys837Ser)

Gene: CTC1 (CST telomere replication complex component 1; minus strand). Cytogenetic location: 17p13.1.
Variant type: single nucleotide variant.
Coding change: c.2510G>C on transcript NM_025099.6 (MANE Select); coding-DNA position 2510, G replaced by C.
Protein change: p.Cys837Ser; replaces cysteine 837 with serine.
Molecular consequence: missense variant. On other transcripts: non-coding transcript variant (1).
Genome position (GRCh38, 1-based): chr17:8,231,435, C>G on the plus strand (G>C on the coding strand, the complement: CTC1 is on the minus strand). VCF-style: chr17-8231435-C-G. GRCh37 (hg19) VCF-style: chr17-8134753-C-G.
Other names: short protein forms C837S.
Identifiers: ClinVar variation 1691964 (VCV001691964.1), dbSNP rs377390001, ClinGen allele CA8372040.
Genomic context (GRCh38, chr17:8,231,435, plus strand): 5'-TTGTCCTGGACAGTGAGGCAGGATGCACAGCCAGCCAACTCCAGAGGACGCCGAGATATG[C>G]AGGATGAACCATCCTTTTCAAACAACATTGGTGTCTGCACGGAAATGGGAAGACGACTGC-3'
Protein context (NP_079375.3, residues 827-847): PMLFEKDGSS[Cys837Ser]ISRRPLELAG